The following is an entry in ClinVar:

NC_000009.12:g.35658024_35658035dup

Gene: RMRP (RNA component of mitochondrial RNA processing endoribonuclease; minus strand). Cytogenetic location: 9p13.3.
Variant type: Duplication.
Genome position: GRCh38 VCF-style: chr9-35658023-C-CCTCAGCTTCACA. GRCh37 (hg19) VCF-style: chr9-35658020-C-CCTCAGCTTCACA.
Identifiers: ClinVar variation 2994167 (VCV002994167.3), dbSNP rs2490603538, ClinGen allele CA2740095465.

ClinVar aggregate classification (germline): Pathogenic (1 of 4 stars; one submission).

Conditions:
Anauxetic dysplasia. Identifiers: Orphanet 93347, MedGen C1846796, MONDO:0011773.

Submission:

Labcorp Genetics (formerly Invitae), Labcorp
Classification: Pathogenic for Anauxetic dysplasia. Last evaluated: 2023-06-27. Review status: criteria provided, single submitter. Criteria: Invitae Variant Classification Sherloc (09022015). Collection method: clinical testing. Allele origin: germline.
Comment: This variant occurs in the RMRP gene, which encodes an RNA molecule that does not result in a protein product. This variant is not present in population databases (gnomAD no frequency). While this particular variant has not been reported in the literature, it is located in the promoter region between the TATA box and the transcription initiation site, and other insertions and duplications immediately upstream of the coding sequence have been reported in individuals affected with cartilage-hair hypoplasia-anauxetic dysplasia (CHH-AD) spectrum disorders (PMID: 16244706, 11207361, 12107819). While functional studies for this variant have not been reported, experimental analyses using patient derived cells, as well as in vitro transfection studies, have shown that promoter insertions result in silencing of RMRP transcription and reduced expression of the gene product (PMID: 11207361, 16254002). For these reasons, this variant has been classified as Pathogenic.

Literature cited by the submitters: PubMed 16244706; PubMed 11207361; PubMed 12107819; PubMed 16254002.